The following is an entry in ClinVar:

NM_030962.4(SBF2):c.291G>A (p.Lys97=)

Gene: SBF2 (SET binding factor 2; minus strand). Cytogenetic location: 11p15.4.
Variant type: single nucleotide variant.
Coding change: c.291G>A on transcript NM_030962.4 (MANE Select); coding-DNA position 291, G replaced by A.
Protein change: p.Lys97=; no amino-acid change (lysine 97 retained).
Molecular consequence: synonymous variant.
Genome position (GRCh38, 1-based): chr11:10,031,159, C>T on the plus strand (G>A on the coding strand, the complement: SBF2 is on the minus strand). VCF-style: chr11-10031159-C-T. GRCh37 (hg19) VCF-style: chr11-10052706-C-T.
Other names: c.291G>A, p.Lys97= (NM_001386339.1, NM_001386342.1).
Identifiers: ClinVar variation 543493 (VCV000543493.17), dbSNP rs150056369, ClinGen allele CA5882154.
Genomic context (GRCh38, chr11:10,031,159, plus strand): 5'-AGCAAACACTTCTGCAGGCTGAATTAAACCAGACACTTTTGCTTCACCTTCAATCTCTTC[C>T]TTCTTTGTTCCCTAGAAAAAGAGACACTGAAATCAACAAACAGAAGGGATTTCCTAGGTT-3'
Protein context (NP_112224.1, residues 87-107): EAEINLQGTK[Lys97=]EEIEGEAKVS

ClinVar aggregate classification (germline): Likely benign. Review status: criteria provided, multiple submitters, no conflicts (2 of 4 stars). 5 submissions from 5 submitters: Likely benign (5). Last evaluated 2025-09-04.

Conditions:
Inborn genetic diseases. Identifiers: MedGen C0950123, MeSH D030342.
Charcot-Marie-Tooth disease type 4. Also called: Charcot-Marie-Tooth disease, type IV; Charcot-Marie-Tooth, Type 4. Identifiers: Orphanet 64749, MedGen C4082197, MONDO:0018995.
SBF2-related disorder. Also called: SBF2-related condition.

Allele frequency attached by ClinVar (database versions not stated): gnomAD exomes 0.00004 and 0.00010; ExAC 0.00013; 1000 Genomes Project 30x 0.00016; 1000 Genomes Project 0.00020; gnomAD 0.00036 and 0.00039; ESP Exome Variant Server 0.00038; TOPMed 0.00045.
gnomAD v4.1: 119 of 1,613,402 alleles (0.0074%); highest among the groups gnomAD compares: African/African-American, 0.13%; 1 homozygote.

Submissions (5):

Labcorp Genetics (formerly Invitae), Labcorp
Classification: Likely benign for Charcot-Marie-Tooth disease type 4. Last evaluated: 2025-09-04. Review status: criteria provided, single submitter. Criteria: Invitae Variant Classification Sherloc (09022015). Collection method: clinical testing. Allele origin: germline.

PreventionGenetics, part of Exact Sciences
Classification: Likely benign for SBF2-related condition. Last evaluated: 2025-05-22. Review status: criteria provided, single submitter. Criteria: ACMG Guidelines, 2015. Collection method: clinical testing. Allele origin: germline.
Comment: This variant is classified as likely benign based on ACMG/AMP sequence variant interpretation guidelines (Richards et al. 2015 PMID: 25741868, with internal and published modifications).

Blueprint Genetics
Classification: Likely benign. Last evaluated: 2022-05-05. Review status: criteria provided, single submitter. Criteria: ACMG Guidelines, 2015. Collection method: clinical testing. Allele origin: germline.

Ambry Genetics
Classification: Likely benign for Inborn genetic diseases. Last evaluated: 2019-07-11. Review status: criteria provided, single submitter. Criteria: Ambry Variant Classification Scheme 2023. Collection method: clinical testing. Allele origin: germline.

GeneDx
Classification: Likely benign. Last evaluated: 2018-07-25. Review status: criteria provided, single submitter. Criteria: GeneDx Variant Classification Process June 2021. Collection method: clinical testing. Allele origin: germline. Affected: yes.